The following is an entry in ClinVar:

NM_014989.7(RIMS1):c.1916A>G (p.Lys639Arg)

Gene: RIMS1 (regulating synaptic membrane exocytosis 1; plus strand). Cytogenetic location: 6q13.
Variant type: single nucleotide variant.
Coding change: c.1916A>G on transcript NM_014989.7 (MANE Select); coding-DNA position 1916, A replaced by G.
Protein change: p.Lys639Arg; replaces lysine 639 with arginine.
Molecular consequence: missense variant.
Genome position (GRCh38, 1-based): chr6:72,237,881, A>G. VCF-style: chr6-72237881-A-G. GRCh37 (hg19) VCF-style: chr6-72947584-A-G.
Other names: c.338A>G, p.Lys113Arg (NM_001168407.2, NM_001168408.2, NM_001350414.2 and 37 more transcripts); c.95A>G, p.Lys32Arg (NM_001168409.2, NM_001350467.2, NM_001350468.2 and 6 more transcripts); c.293A>G, p.Lys98Arg (NM_001168410.2, NM_001350470.2, NM_001350472.2 and 2 more transcripts); c.269A>G, p.Lys90Arg (NM_001350428.2, NM_001350430.2, NM_001350450.2 and 6 more transcripts); short protein forms K113R, K639R, K98R, K32R, K90R.
Identifiers: ClinVar variation 3695431 (VCV003695431.2).
Genomic context (GRCh38, chr6:72,237,881, plus strand): 5'-AGGTTGTTGGAGGAAAAATGACTGACTTAGGACGACTTGGTGCTTTCATCACCAAAGTAA[A>G]GAAGGGTAGCCTAGCAGATGTAGTTGGACACCTAAGAGCAGGTAAAGTTTCTTTTTTTAA-3'
Protein context (NP_055804.2, residues 629-649): GRLGAFITKV[Lys639Arg]KGSLADVVGH

ClinVar aggregate classification (germline): Uncertain significance (1 of 4 stars; one submission).

gnomAD v4.1: 2 of 1,613,458 alleles (0.00012%); highest among the groups gnomAD compares: African/African-American, 0.0027%; no homozygotes.

Submission:

Labcorp Genetics (formerly Invitae), Labcorp
Classification: Uncertain significance. Last evaluated: 2024-05-27. Review status: criteria provided, single submitter. Criteria: Invitae Variant Classification Sherloc (09022015). Collection method: clinical testing. Allele origin: germline.
Comment: This sequence change replaces lysine, which is basic and polar, with arginine, which is basic and polar, at codon 639 of the RIMS1 protein (p.Lys639Arg). This variant is not present in population databases (gnomAD no frequency). This variant has not been reported in the literature in individuals affected with RIMS1-related conditions. An algorithm developed to predict the effect of missense changes on protein structure and function (PolyPhen-2) suggests that this variant is likely to be disruptive. In summary, the available evidence is currently insufficient to determine the role of this variant in disease. Therefore, it has been classified as a Variant of Uncertain Significance.